The following is an entry in ClinVar:

ClinVar aggregate classification (germline): Likely benign (1 of 4 stars; one submission).

gnomAD v4.1: 2 of 1,613,776 alleles (0.00012%); highest among the groups gnomAD compares: Non-Finnish European, 0.00017%; no homozygotes.

Submission:

Mayo Clinic Laboratories, Mayo Clinic
Classification: Likely benign. Last evaluated: 2025-04-16. Review status: criteria provided, single submitter. Criteria: ACMG Guidelines, 2015. Collection method: clinical testing. Allele origin: germline. Observed: 1 variant allele.
Comment: BP4, BP7, PM2_supporting

NM_000186.4(CFH):c.1770A>G (p.Gly590=)

Gene: CFH (complement factor H; plus strand). Cytogenetic location: 1q31.3.
Variant type: single nucleotide variant.
Coding change: c.1770A>G on transcript NM_000186.4 (MANE Select); coding-DNA position 1770, A replaced by G.
Protein change: p.Gly590=; no amino-acid change (glycine 590 retained).
Molecular consequence: synonymous variant.
Genome position (GRCh38, 1-based): chr1:196,725,194, A>G. VCF-style: chr1-196725194-A-G. GRCh37 (hg19) VCF-style: chr1-196694324-A-G.
Other names: p.Gly590=.
Identifiers: ClinVar variation 4683910 (VCV004683910.1).